The following is an entry in ClinVar:

NM_001349798.2(FBXW7):c.1989_1990del (p.Ser665fs)

Gene: FBXW7 (F-box and WD repeat domain containing 7; minus strand). Cytogenetic location: 4q31.3.
Variant type: Deletion.
Coding change: c.1989_1990del on transcript NM_001349798.2 (MANE Select); coding-DNA positions 1989 to 1990, 2 bases deleted (GG; older notation c.1989_1990delGG).
Protein change: p.Ser665fs; shifts the reading frame from serine 665.
Molecular consequence: frameshift variant.
Genome position (GRCh38, 1-based): chr4:152,323,015-152,323,016, CC deleted on the plus strand (GG on the coding strand, the reverse complement: FBXW7 is on the minus strand). VCF-style (leftmost placement, unchanged base first): chr4-152323014-TCC-T. GRCh37 (hg19) VCF-style: chr4-153244166-TCC-T.
Other names: c.1635_1636del, p.Ser547fs (NM_001013415.2); c.1749_1750del, p.Ser585fs (NM_018315.5); c.1989_1990del, p.Ser665fs (NM_033632.3); short protein forms S547fs, S585fs, S665fs.
Identifiers: ClinVar variation 3384084 (VCV003384084.1).

ClinVar aggregate classification (germline): Likely pathogenic (1 of 4 stars; one submission).

Conditions:
Developmental delay. Also called: Delayed development. Identifiers: MedGen C0424605.

Submission:

Dubai Health Genomic Medicine Center, Dubai Health
Classification: Likely pathogenic for Developmental delay. Last evaluated: 2024-10-04. Review status: criteria provided, single submitter. Criteria: ACMG Guidelines, 2015. Collection method: research. Allele origin: germline. Affected: yes.
Comment: PM2,PS2